The following is an entry in ClinVar:

ClinVar aggregate classification (germline): Pathogenic (1 of 4 stars; one submission).

Conditions:
Hereditary cancer-predisposing syndrome. Also called: Neoplastic Syndromes, Hereditary; Tumor predisposition; Hereditary Cancer Syndrome; Hereditary neoplastic syndrome. Identifiers: Orphanet 140162, MedGen C0027672, MeSH D009386, MONDO:0015356.

Allele frequency attached by ClinVar (database versions not stated): gnomAD exomes below 0.00001.

Submission:

Ambry Genetics
Classification: Pathogenic for Hereditary cancer-predisposing syndrome. Last evaluated: 2022-04-26. Review status: criteria provided, single submitter. Criteria: Ambry Variant Classification Scheme 2023. Collection method: clinical testing. Allele origin: germline.
Comment: The c.1261dupA pathogenic mutation, located in coding exon 8 of the FLCN gene, results from a duplication of A at nucleotide position 1261, causing a translational frameshift with a predicted alternate stop codon (p.S421Kfs*35). This alteration is expected to result in loss of function by premature protein truncation or nonsense-mediated mRNA decay. As such, this alteration is interpreted as a disease-causing mutation.

NM_144997.7(FLCN):c.1261dup (p.Ser421fs)

Gene: FLCN (folliculin; minus strand). Cytogenetic location: 17p11.2.
Variant type: Duplication.
Coding change: c.1261dup on transcript NM_144997.7 (MANE Select); coding-DNA position 1261, one base duplicated (A; older notation c.1261dupA).
Protein change: p.Ser421fs; shifts the reading frame from serine 421.
Molecular consequence: frameshift variant.
Genome position (GRCh38, 1-based): chr17:17,216,419, T duplicated on the plus strand (A on the coding strand, the reverse complement: FLCN is on the minus strand). VCF-style (leftmost placement, unchanged base first): chr17-17216418-C-CT. GRCh37 (hg19) VCF-style: chr17-17119732-C-CT.
Other names: c.1315dup, p.Ser439fs (NM_001353229.2); c.1261dup, p.Ser421fs (NM_001353230.2, NM_001353231.2); c.1261dupA (NM_144997.5); short protein forms S439fs, S421fs.
Identifiers: ClinVar variation 1763302 (VCV001763302.2), dbSNP rs2544162203, ClinGen allele CA2573130326.